The following is an entry in ClinVar:

NM_001099293.3(KIF4B):c.598G>A (p.Val200Met)

Gene: KIF4B (kinesin family member 4B; plus strand). Cytogenetic location: 5q33.2.
Variant type: single nucleotide variant.
Coding change: c.598G>A on transcript NM_001099293.3 (MANE Select); coding-DNA position 598, G replaced by A.
Protein change: p.Val200Met; replaces valine 200 with methionine.
Molecular consequence: missense variant.
Genome position (GRCh38, 1-based): chr5:155,014,457, G>A. VCF-style: chr5-155014457-G-A. GRCh37 (hg19) VCF-style: chr5-154394017-G-A.
Other names: short protein forms V200M.
Identifiers: ClinVar variation 3044578 (VCV003044578.2), dbSNP rs188974157, ClinGen allele CA3529867.

ClinVar aggregate classification (germline): Benign (0 of 4 stars; one submission).

Conditions:
KIF4B-related disorder. Also called: KIF4B-related condition.

Allele frequency attached by ClinVar (database versions not stated): gnomAD exomes 0.00016; ExAC 0.00058; 1000 Genomes Project 0.00140; 1000 Genomes Project 30x 0.00156; gnomAD 0.00200; TOPMed 0.00220; ESP Exome Variant Server 0.00246.
gnomAD v4.1: 541 of 1,614,140 alleles (0.034%); highest among the groups gnomAD compares: African/African-American, 0.66%; 4 homozygotes.

Submission:

PreventionGenetics, part of Exact Sciences
Classification: Benign for KIF4B-related condition. Last evaluated: 2019-12-20. Review status: no assertion criteria provided. Collection method: clinical testing. Allele origin: germline.
Comment: This variant is classified as benign based on ACMG/AMP sequence variant interpretation guidelines (Richards et al. 2015 PMID: 25741868, with internal and published modifications).